The following is an entry in ClinVar:

NM_018979.4(WNK1):c.298C>T (p.Leu100Phe)

Gene: WNK1 (WNK lysine deficient protein kinase 1; plus strand). Cytogenetic location: 12p13.33.
Variant type: single nucleotide variant.
Coding change: c.298C>T on transcript NM_018979.4 (MANE Select); coding-DNA position 298, C replaced by T.
Protein change: p.Leu100Phe; replaces leucine 100 with phenylalanine.
Molecular consequence: missense variant.
Genome position (GRCh38, 1-based): chr12:753,863, C>T. VCF-style: chr12-753863-C-T. GRCh37 (hg19) VCF-style: chr12-863029-C-T.
Other names: c.298C>T, p.Leu100Phe (NM_001184985.2, NM_014823.3, NM_213655.5); short protein forms L100F.
Identifiers: ClinVar variation 1439734 (VCV001439734.8), dbSNP rs2121013479, ClinGen allele CA383304636.

ClinVar aggregate classification (germline): Uncertain significance (1 of 4 stars; one submission).

Conditions:
Neuropathy, hereditary sensory and autonomic, type 2A (HSAN2A). Also called: ACROOSTEOLYSIS, GIACCAI TYPE; ACROOSTEOLYSIS, NEUROGENIC; MORVAN DISEASE; NEUROPATHY, CONGENITAL SENSORY; NEUROPATHY, HEREDITARY SENSORY RADICULAR, AUTOSOMAL RECESSIVE; NEUROPATHY, HEREDITARY SENSORY, TYPE IIA. Identifiers: Orphanet 970, MedGen C2752089, MONDO:0024309, OMIM 201300.
Pseudohypoaldosteronism type 2C (PHA2C). Also called: Pseudohypoaldosteronism Type IIC. Identifiers: Orphanet 757, Orphanet 88940, MedGen C1840391, MONDO:0013778, OMIM 614492.

Submission:

Labcorp Genetics (formerly Invitae), Labcorp
Classification: Uncertain significance for Neuropathy, hereditary sensory and autonomic, type 2A; Pseudohypoaldosteronism type 2C. Last evaluated: 2021-03-29. Review status: criteria provided, single submitter. Criteria: Invitae Variant Classification Sherloc (09022015). Collection method: clinical testing. Allele origin: germline.
Comment: Advanced modeling of protein sequence and biophysical properties (such as structural, functional, and spatial information, amino acid conservation, physicochemical variation, residue mobility, and thermodynamic stability) performed at Invitae indicates that this missense variant is not expected to disrupt WNK1 protein function. In summary, the available evidence is currently insufficient to determine the role of this variant in disease. Therefore, it has been classified as a Variant of Uncertain Significance. This variant has not been reported in the literature in individuals with WNK1-related conditions. This variant is not present in population databases (ExAC no frequency). This sequence change replaces leucine with phenylalanine at codon 100 of the WNK1 protein (p.Leu100Phe). The leucine residue is highly conserved and there is a small physicochemical difference between leucine and phenylalanine.